The following is an entry in ClinVar:

NM_020717.5(SHROOM4):c.2441T>C (p.Met814Thr)

Gene: SHROOM4 (shroom family member 4; minus strand). Cytogenetic location: Xp11.22.
Variant type: single nucleotide variant.
Coding change: c.2441T>C on transcript NM_020717.5 (MANE Select); coding-DNA position 2441, T replaced by C.
Protein change: p.Met814Thr; replaces methionine 814 with threonine.
Molecular consequence: missense variant. On other transcripts: non-coding transcript variant (4).
Genome position (GRCh38, 1-based): chrX:50,633,632, A>G on the plus strand (T>C on the coding strand, the complement: SHROOM4 is on the minus strand). VCF-style: chrX-50633632-A-G. GRCh37 (hg19) VCF-style: chrX-50376632-A-G.
Other names: short protein forms M814T.
Identifiers: ClinVar variation 2660560 (VCV002660560.24), dbSNP rs782190096, ClinGen allele CA10416127.
Genomic context (GRCh38, chrX:50,633,632, plus strand): 5'-TCTGCGGAATGATATGATTGGTCCATGGGATGGCGCCTCAATTCCCTACAGCTGGAGCTC[A>G]TTGGCTGGAAGTTTTGGTCTATAGGTTTTGGTCTCTGGGTAAAAGTCTTGTTGCTATGAG-3'
Protein context (NP_065768.2, residues 804-824): PKPIDQNFQP[Met814Thr]SSSCRELRRH

ClinVar aggregate classification (germline): Likely benign (1 of 4 stars; one submission).

Allele frequency attached by ClinVar (database versions not stated): TOPMed 0.00001; gnomAD 0.00005; ExAC 0.00001; gnomAD exomes 0.00001.
gnomAD v4.1: 17 of 1,210,316 alleles (0.0014%); highest among the groups gnomAD compares: Non-Finnish European, 0.0018%; no homozygotes.

Submission:

CeGaT Center for Human Genetics Tuebingen
Classification: Likely benign. Last evaluated: 2024-03-01. Review status: criteria provided, single submitter. Criteria: CeGaT Center For Human Genetics Tuebingen Variant Classification Criteria Version 2. Collection method: clinical testing. Allele origin: germline. Affected: yes. Observed: 2 variant alleles.
Comment: SHROOM4: BP4, BS2